The following is an entry in ClinVar:

NM_017635.5(KMT5B):c.346T>C (p.Ser116Pro)

Gene: KMT5B (lysine methyltransferase 5B; minus strand). Cytogenetic location: 11q13.2.
Variant type: single nucleotide variant.
Coding change: c.346T>C on transcript NM_017635.5 (MANE Select); coding-DNA position 346, T replaced by C.
Protein change: p.Ser116Pro; replaces serine 116 with proline.
Molecular consequence: missense variant. On other transcripts: 5 prime UTR variant (8), non-coding transcript variant (3), intron variant (2).
Genome position (GRCh38, 1-based): chr11:68,180,163, A>G on the plus strand (T>C on the coding strand, the complement: KMT5B is on the minus strand). VCF-style: chr11-68180163-A-G. GRCh37 (hg19) VCF-style: chr11-67947630-A-G.
Other names: c.-239T>C (NM_001300907.1); c.-322T>C (NM_001300908.2); c.346T>C, p.Ser116Pro (NM_001363566.2, NM_001369426.1, NM_001369427.1 and 1 more transcripts); c.-318T>C (NM_001369424.1, NM_001369431.1, NM_001369432.1); c.133T>C, p.Ser45Pro (NM_001369425.1); c.-532T>C (NM_001369428.1); c.-171T>C (NM_001369429.1); c.-833T>C (NM_001369433.1); and 2 more; short protein forms S116P, S45P.
Identifiers: ClinVar variation 3030534 (VCV003030534.2), dbSNP rs754856142, ClinGen allele CA6148452.
Genomic context (GRCh38, chr11:68,180,163, plus strand): 5'-TCTCATTGTTTTTAACACACACTACCTACCTCACAGGGTTGTTGTGAGAAAAACTGTCAG[A>G]TTTTGAAAAATGCCTTGAGCTCCTCGAAGGAAAGGCGCTATATAAATGCAAAAACAAACA-3'
Protein context (NP_060105.3, residues 106-126): PSRSSRHFSK[Ser116Pro]DSFSHNNPVR

ClinVar aggregate classification (germline): Likely benign (0 of 4 stars; one submission).

Conditions:
KMT5B-related disorder. Also called: KMT5B-related condition.

Allele frequency attached by ClinVar (database versions not stated): gnomAD 0.00001; gnomAD exomes 0.00003; TOPMed 0.00005; ExAC 0.00006.
gnomAD v4.1: 50 of 1,575,828 alleles (0.0032%); highest among the groups gnomAD compares: Admixed American, 0.056%; 1 homozygote.

Submission:

PreventionGenetics, part of Exact Sciences
Classification: Likely benign for KMT5B-related condition. Last evaluated: 2022-03-17. Review status: no assertion criteria provided. Collection method: clinical testing. Allele origin: germline.
Comment: This variant is classified as likely benign based on ACMG/AMP sequence variant interpretation guidelines (Richards et al. 2015 PMID: 25741868, with internal and published modifications).